The following is an entry in ClinVar:

NM_001366385.1(CARD14):c.272G>C (p.Ser91Thr)

Gene: CARD14 (caspase recruitment domain family member 14; plus strand). Cytogenetic location: 17q25.3.
Variant type: single nucleotide variant.
Coding change: c.272G>C on transcript NM_001366385.1 (MANE Select); coding-DNA position 272, G replaced by C.
Protein change: p.Ser91Thr; replaces serine 91 with threonine.
Molecular consequence: missense variant. On other transcripts: non-coding transcript variant (1).
Genome position (GRCh38, 1-based): chr17:80,182,713, G>C. VCF-style: chr17-80182713-G-C. GRCh37 (hg19) VCF-style: chr17-78156512-G-C.
Other names: c.272G>C, p.Ser91Thr (NM_001257970.1, NM_024110.4); short protein forms S91T.
Identifiers: ClinVar variation 3753508 (VCV003753508.2).

ClinVar aggregate classification (germline): Uncertain significance (1 of 4 stars; one submission).

Conditions:
Pityriasis rubra pilaris (PRP). Also called: Pityriasis rubra pilaris--familial type. Identifiers: Orphanet 2897, MedGen C0032027, MONDO:0100017, OMIM 173200, MONDO:0008251.
Psoriasis 2. Identifiers: MedGen C1864497, MONDO:0011269, OMIM 602723.

Submission:

Labcorp Genetics (formerly Invitae), Labcorp
Classification: Uncertain significance for Pityriasis rubra pilaris; Psoriasis 2. Last evaluated: 2024-02-04. Review status: criteria provided, single submitter. Criteria: Invitae Variant Classification Sherloc (09022015). Collection method: clinical testing. Allele origin: germline.
Comment: This sequence change replaces serine, which is neutral and polar, with threonine, which is neutral and polar, at codon 91 of the CARD14 protein (p.Ser91Thr). This variant is not present in population databases (gnomAD no frequency). This variant has not been reported in the literature in individuals affected with CARD14-related conditions. Advanced modeling of protein sequence and biophysical properties (such as structural, functional, and spatial information, amino acid conservation, physicochemical variation, residue mobility, and thermodynamic stability) performed at Invitae indicates that this missense variant is expected to disrupt CARD14 protein function with a positive predictive value of 80%. In summary, the available evidence is currently insufficient to determine the role of this variant in disease. Therefore, it has been classified as a Variant of Uncertain Significance.